The following is an entry in ClinVar:

NM_000059.4(BRCA2):c.1397_1400del (p.Asn466fs)

Gene: BRCA2 (BRCA2 DNA repair associated; plus strand). Cytogenetic location: 13q13.1.
Variant type: Deletion.
Coding change: c.1397_1400del on transcript NM_000059.4 (MANE Select); coding-DNA positions 1397 to 1400, 4 bases deleted (ATAA; older notation c.1397_1400delATAA).
Protein change: p.Asn466fs; shifts the reading frame from asparagine 466.
Molecular consequence: frameshift variant.
Genome position (GRCh38, 1-based): chr13:32,332,875-32,332,878, ATAA deleted; deleting any 4 consecutive bases within chr13:32,332,872-32,332,878 gives the same sequence; the c. name uses the placement nearest the transcript's 3' end. VCF-style (leftmost placement, unchanged base first): chr13-32332871-GTAAA-G. GRCh37 (hg19) VCF-style: chr13-32907008-GTAAA-G.
Other names: c.1397_1400delATAA, p.Asn466Argfs (NM_001406719.1, NM_001406720.1, NM_001406721.1); short protein forms N466fs.
Identifiers: ClinVar variation 2085225 (VCV002085225.4), dbSNP rs2548520185, ClinGen allele CA2580087004.

ClinVar aggregate classification (germline): Pathogenic (1 of 4 stars; one submission).

Conditions:
Hereditary breast ovarian cancer syndrome. Also called: BRCA1- and BRCA2-Associated Hereditary Breast and Ovarian Cancer; Hereditary breast and/or ovarian cancer syndrome; Hereditary breast and ovarian cancer syndrome; Hereditary breast and ovarian cancer syndrome (HBOC); Breast and ovarian cancer; Hereditary breast and ovarian cancer. Identifiers: Orphanet 145, MedGen C0677776, MeSH D061325, MONDO:0003582. Disease mechanism: loss of function.

Submission:

Labcorp Genetics (formerly Invitae), Labcorp
Classification: Pathogenic for Hereditary breast ovarian cancer syndrome. Last evaluated: 2022-01-16. Review status: criteria provided, single submitter. Criteria: Invitae Variant Classification Sherloc (09022015). Collection method: clinical testing. Allele origin: germline.
Comment: This variant has not been reported in the literature in individuals affected with BRCA2-related conditions. This variant is not present in population databases (gnomAD no frequency). This sequence change creates a premature translational stop signal (p.Asn466Argfs*18) in the BRCA2 gene. It is expected to result in an absent or disrupted protein product. Loss-of-function variants in BRCA2 are known to be pathogenic (PMID: 20104584). For these reasons, this variant has been classified as Pathogenic. Algorithms developed to predict the effect of sequence changes on RNA splicing suggest that this variant may create or strengthen a splice site.

Literature cited by the submitters: PubMed 20104584.